The following is an entry in ClinVar:

NM_000264.5(PTCH1):c.2078C>T (p.Thr693Ile)

Genes: PTCH1 (patched 1; minus strand), LOC100507346 (uncharacterized LOC100507346; plus strand). Cytogenetic location: 9q22.32.
Variant type: single nucleotide variant.
Coding change: c.2078C>T on transcript NM_000264.5 (MANE Select); coding-DNA position 2078, C replaced by T.
Protein change: p.Thr693Ile; replaces threonine 693 with isoleucine.
Molecular consequence: missense variant. On other transcripts: non-coding transcript variant (2).
Genome position (GRCh38, 1-based): chr9:95,468,923, G>A on the plus strand (C>T on the coding strand, the complement: PTCH1 is on the minus strand). VCF-style: chr9-95468923-G-A. GRCh37 (hg19) VCF-style: chr9-98231205-G-A.
Other names: c.1880C>T, p.Thr627Ile (NM_001083602.3); c.2075C>T, p.Thr692Ile (NM_001083603.3); c.1625C>T, p.Thr542Ile (NM_001083604.3, NM_001083605.3, NM_001083606.3 and 1 more transcripts); c.1922C>T, p.Thr641Ile (NM_001354918.2); short protein forms T542I, T641I, T693I, T627I, T692I.
Identifiers: ClinVar variation 1785492 (VCV001785492.5), dbSNP rs2118039634, ClinGen allele CA374115708.

ClinVar aggregate classification (germline): Uncertain significance. Review status: criteria provided, multiple submitters, no conflicts (2 of 4 stars). 2 submissions from 2 submitters: Uncertain significance (2). Last evaluated 2023-08-11.

Conditions:
Hereditary cancer-predisposing syndrome. Also called: Tumor predisposition; Neoplastic Syndromes, Hereditary; Hereditary Cancer Syndrome; Hereditary neoplastic syndrome. Identifiers: Orphanet 140162, MedGen C0027672, MeSH D009386, MONDO:0015356.
Gorlin syndrome. Also called: Nevoid Basal Cell Carcinoma Syndrome; Basal cell nevus syndrome. Identifiers: Orphanet 377, MedGen C0004779, MONDO:0007187.

Allele frequency attached by ClinVar (database versions not stated): gnomAD exomes below 0.00001.
gnomAD v4.1: 2 of 1,614,158 alleles (0.00012%); highest among the groups gnomAD compares: Non-Finnish European, 0.00017%; no homozygotes.

Submissions (2):

Labcorp Genetics (formerly Invitae), Labcorp
Classification: Uncertain significance for Gorlin syndrome. Last evaluated: 2023-08-11. Review status: criteria provided, single submitter. Criteria: Invitae Variant Classification Sherloc (09022015). Collection method: clinical testing. Allele origin: germline.
Comment: In summary, the available evidence is currently insufficient to determine the role of this variant in disease. Therefore, it has been classified as a Variant of Uncertain Significance. Advanced modeling of protein sequence and biophysical properties (such as structural, functional, and spatial information, amino acid conservation, physicochemical variation, residue mobility, and thermodynamic stability) performed at Invitae indicates that this missense variant is not expected to disrupt PTCH1 protein function. ClinVar contains an entry for this variant (Variation ID: 1785492). This variant has not been reported in the literature in individuals affected with PTCH1-related conditions. This variant is not present in population databases (gnomAD no frequency). This sequence change replaces threonine, which is neutral and polar, with isoleucine, which is neutral and non-polar, at codon 693 of the PTCH1 protein (p.Thr693Ile).

Ambry Genetics
Classification: Uncertain significance for Hereditary cancer-predisposing syndrome. Last evaluated: 2020-03-30. Review status: criteria provided, single submitter. Criteria: Ambry Variant Classification Scheme 2023. Collection method: clinical testing. Allele origin: germline.
Comment: The p.T693I variant (also known as c.2078C>T), located in coding exon 14 of the PTCH1 gene, results from a C to T substitution at nucleotide position 2078. The threonine at codon 693 is replaced by isoleucine, an amino acid with similar properties. This amino acid position is not well conserved in available vertebrate species. In addition, this alteration is predicted to be tolerated by in silico analysis. Since supporting evidence is limited at this time, the clinical significance of this alteration remains unclear.